The following is an entry in ClinVar:

NM_001035235.4(SRA1):c.352A>G (p.Arg118Gly)

Gene: SRA1 (steroid receptor RNA activator 1; minus strand). Cytogenetic location: 5q31.3.
Variant type: single nucleotide variant.
Coding change: c.352A>G on transcript NM_001035235.4 (MANE Select); coding-DNA position 352, A replaced by G.
Protein change: p.Arg118Gly; replaces arginine 118 with glycine.
Molecular consequence: missense variant. On other transcripts: non-coding transcript variant (2), intron variant (1).
Genome position (GRCh38, 1-based): chr5:140,551,984, T>C on the plus strand (A>G on the coding strand, the complement: SRA1 is on the minus strand). VCF-style: chr5-140551984-T-C. GRCh37 (hg19) VCF-style: chr5-139931569-T-C.
Other names: c.307-815A>G (NM_001253764.2); short protein forms R118G.
Identifiers: ClinVar variation 4761581 (VCV004761581.1).

ClinVar aggregate classification (germline): Uncertain significance (1 of 4 stars; one submission).

gnomAD v4.1: 1 of 1,613,874 alleles (0.000062%); highest among the groups gnomAD compares: Non-Finnish European, 0.000085%; no homozygotes.

Submission:

Labcorp Genetics (formerly Invitae), Labcorp
Classification: Uncertain significance. Last evaluated: 2025-12-23. Review status: criteria provided, single submitter. Criteria: Invitae Variant Classification Sherloc (09022015). Collection method: clinical testing. Allele origin: germline.
Comment: This sequence change replaces arginine, which is basic and polar, with glycine, which is neutral and non-polar, at codon 130 of the SRA1 protein (p.Arg130Gly). This variant is not present in population databases (gnomAD no frequency). This variant has not been reported in the literature in individuals affected with SRA1-related conditions. An algorithm developed to predict the effect of missense changes on protein structure and function (PolyPhen-2) suggests that this variant is likely to be tolerated. In summary, the available evidence is currently insufficient to determine the role of this variant in disease. Therefore, it has been classified as a Variant of Uncertain Significance.